The following is an entry in ClinVar:

ClinVar aggregate classification (germline): Likely benign. Review status: criteria provided, single submitter (1 of 4 stars). 2 submissions from 2 submitters: Likely benign (1). 1 of the submissions does not count toward it. Last evaluated 2025-12-11.

Conditions:
LTBP2-related disorder. Also called: LTBP2-related condition; LTBP2-related disorders.

Allele frequency attached by ClinVar (database versions not stated): ExAC 0.00002; gnomAD exomes 0.00002; gnomAD 0.00003.
gnomAD v4.1: 37 of 1,614,010 alleles (0.0023%); highest among the groups gnomAD compares: South Asian, 0.011%; no homozygotes.

Submissions (2):

Labcorp Genetics (formerly Invitae), Labcorp
Classification: Likely benign. Last evaluated: 2025-12-11. Review status: criteria provided, single submitter. Criteria: Invitae Variant Classification Sherloc (09022015). Collection method: clinical testing. Allele origin: germline.

PreventionGenetics, part of Exact Sciences
Classification: Likely benign for LTBP2-related condition. Last evaluated: 2019-07-12. Review status: no assertion criteria provided. Collection method: clinical testing. Allele origin: germline. Not counted in ClinVar's aggregate classification.
Comment: This variant is classified as likely benign based on ACMG/AMP sequence variant interpretation guidelines (Richards et al. 2015 PMID: 25741868, with internal and published modifications).

NM_000428.3(LTBP2):c.5202G>A (p.Ala1734=)

Gene: LTBP2 (latent transforming growth factor beta binding protein 2; minus strand). Cytogenetic location: 14q24.3.
Variant type: single nucleotide variant.
Coding change: c.5202G>A on transcript NM_000428.3 (MANE Select); coding-DNA position 5202, G replaced by A.
Protein change: p.Ala1734=; no amino-acid change (alanine 1734 retained).
Molecular consequence: synonymous variant.
Genome position (GRCh38, 1-based): chr14:74,501,559, C>T on the plus strand (G>A on the coding strand, the complement: LTBP2 is on the minus strand). VCF-style: chr14-74501559-C-T. GRCh37 (hg19) VCF-style: chr14-74968262-C-T.
Other names: c.5202G>A (NM_000428.2).
Identifiers: ClinVar variation 1951914 (VCV001951914.7), dbSNP rs765723436, ClinGen allele CA7268479.
Genomic context (GRCh38, chr14:74,501,559, plus strand): 5'-GCCCTCCCGCACGCGCACACAGCGGCCATTCTCACAGCCGTTCAGGATGCCGCACTCCTC[C>T]GCCTGAAGCCCTTCGAAGCCGGCTGGGGGCTCTGGGAGGAGGAAATCGGAGAGAGGAGGA-3'
Protein context (NP_000419.1, residues 1724-1744): EPPAGFEGLQ[Ala1734=]EECGILNGCE